The following is an entry in ClinVar:

ClinVar aggregate classification (germline): Pathogenic (1 of 4 stars; one submission).

Conditions:
Idiopathic basal ganglia calcification 1 (PFBC1A). Also called: Fahr's syndrome; Cerebral calcification nonarteriosclerotic idiopathic adult-onset; Striopallidodentate calcinosis autosomal dominant adult-onset; Ferrocalcinosis, cerebrovascular; Fahr disease, familial (formerly); Familial Idiopathic Basal Ganglia Calcification 2. Identifiers: Orphanet 1980, MedGen C4551624, MONDO:0024538, OMIM 213600.

Submission:

Institute of Human Genetics, University of Leipzig Medical Center
Classification: Pathogenic for Idiopathic basal ganglia calcification 1. Last evaluated: 2022-05-06. Review status: criteria provided, single submitter. Criteria: ACMG Guidelines, 2015. Collection method: clinical testing. Allele origin: unknown. Affected: yes.
Comment: _x000D_ Criteria applied: PVS1, PM2_SUP, PP4

NM_001257180.2(SLC20A2):c.80_92del (p.Asn27fs)

Gene: SLC20A2 (solute carrier family 20 member 2; minus strand). Cytogenetic location: 8p11.21.
Variant type: Deletion.
Coding change: c.80_92del on transcript NM_001257180.2 (MANE Select); coding-DNA positions 80 to 92, 13 bases deleted (ACGATGTTGCCAA).
Protein change: p.Asn27fs; shifts the reading frame from asparagine 27.
Molecular consequence: frameshift variant.
Genome position (GRCh38, 1-based): chr8:42,472,299-42,472,311, TTGGCAACATCGT deleted on the plus strand (ACGATGTTGCCAA on the coding strand, the reverse complement: SLC20A2 is on the minus strand); deleting any 13 consecutive bases within chr8:42,472,299-42,472,314 gives the same sequence; the c. name uses the placement nearest the transcript's 3' end. VCF-style (leftmost placement, unchanged base first): chr8-42472298-GTTGGCAACATCGT-G. GRCh37 (hg19) VCF-style: chr8-42329816-GTTGGCAACATCGT-G.
Other names: c.80_92del, p.Asn27fs (NM_001257181.2, NM_006749.5); short protein forms N27fs.
Identifiers: ClinVar variation 1691845 (VCV001691845.1), dbSNP rs2131228068, ClinGen allele CA2573143169.